The following is an entry in ClinVar:

NM_001851.6(COL9A1):c.1205T>C (p.Ile402Thr)

Gene: COL9A1 (collagen type IX alpha 1 chain; minus strand). Cytogenetic location: 6q13.
Variant type: single nucleotide variant.
Coding change: c.1205T>C on transcript NM_001851.6 (MANE Select); coding-DNA position 1205, T replaced by C.
Protein change: p.Ile402Thr; replaces isoleucine 402 with threonine.
Molecular consequence: missense variant. On other transcripts: non-coding transcript variant (1).
Genome position (GRCh38, 1-based): chr6:70,269,658, A>G on the plus strand (T>C on the coding strand, the complement: COL9A1 is on the minus strand). VCF-style: chr6-70269658-A-G. GRCh37 (hg19) VCF-style: chr6-70979361-A-G.
Other names: c.476T>C, p.Ile159Thr (NM_001377289.1, NM_001377290.1, NM_078485.4); short protein forms I159T, I402T.
Identifiers: ClinVar variation 3671483 (VCV003671483.2).
Genomic context (GRCh38, chr6:70,269,658, plus strand): 5'-TAAAACTATATTTTGTTCAAAGGAAAGCATCTTACCAATGGATCTCCATCATGAAAGCCA[A>G]TTGTTCCCTAAAGTAAACAAAATATTAAGGTTCAGAATACAATTAAATAATGAATTCAAA-3'
Protein context (NP_001842.3, residues 392-412): PPGPPGPRGT[Ile402Thr]GFHDGDPLCP

ClinVar aggregate classification (germline): Uncertain significance (1 of 4 stars; one submission).

Submission:

Labcorp Genetics (formerly Invitae), Labcorp
Classification: Uncertain significance. Last evaluated: 2024-11-18. Review status: criteria provided, single submitter. Criteria: Invitae Variant Classification Sherloc (09022015). Collection method: clinical testing. Allele origin: germline.
Comment: This sequence change replaces isoleucine, which is neutral and non-polar, with threonine, which is neutral and polar, at codon 402 of the COL9A1 protein (p.Ile402Thr). This variant is not present in population databases (gnomAD no frequency). This variant has not been reported in the literature in individuals affected with COL9A1-related conditions. Invitae Evidence Modeling of protein sequence and biophysical properties (such as structural, functional, and spatial information, amino acid conservation, physicochemical variation, residue mobility, and thermodynamic stability) indicates that this missense variant is not expected to disrupt COL9A1 protein function with a negative predictive value of 95%. In summary, the available evidence is currently insufficient to determine the role of this variant in disease. Therefore, it has been classified as a Variant of Uncertain Significance.